The following is an entry in ClinVar:

NM_000381.4(MID1):c.1142-2A>G

Gene: MID1 (midline 1; minus strand). Cytogenetic location: Xp22.2.
Variant type: single nucleotide variant.
Coding change: c.1142-2A>G on transcript NM_000381.4 (MANE Select); the canonical splice acceptor site of the intron before coding-DNA position 1142, A replaced by G.
Molecular consequence: splice acceptor variant.
Genome position (GRCh38, 1-based): chrX:10,469,842, T>C on the plus strand (A>G on the coding strand, the complement: MID1 is on the minus strand). VCF-style: chrX-10469842-T-C. GRCh37 (hg19) VCF-style: chrX-10437882-T-C.
Other names: c.1142-2A>G (NM_033290.4, NM_001098624.2, NM_001347733.2 and 2 more transcripts); c.1028-2A>G (NM_033289.2, NM_001193280.1); c.1295-2A>G (NM_001193278.1).
Identifiers: ClinVar variation 3377330 (VCV003377330.1).

ClinVar aggregate classification (germline): Likely pathogenic (1 of 4 stars; one submission).

Conditions:
X-linked Opitz G/BBB syndrome (GBBB). Also called: OPITZ BBBG SYNDROME, TYPE I; OPITZ SYNDROME, X-LINKED; OPITZ-G SYNDROME, TYPE I; MID1-Related Opitz G/BBB Syndrome; Opitz-Frias syndrome. Identifiers: Orphanet 2745, MedGen C2936904, MONDO:0010222, OMIM 300000.

Submission:

Victorian Clinical Genetics Services, Murdoch Childrens Research Institute
Classification: Likely pathogenic for X-linked Opitz G/BBB syndrome. Last evaluated: 2024-10-09. Review status: criteria provided, single submitter. Criteria: ACMG Guidelines, 2015. Collection method: clinical testing. Allele origin: germline. Inheritance: X-linked recessive inheritance.
Comment: Based on the classification scheme VCGS_Germline_v1.3.4, this variant is classified as Likely pathogenic. Following criteria are met: 0102 - Loss of function is a known mechanism of disease in this gene and is associated with Opitz GBBB syndrome, type I (MIM#300000). (I) 0109 - This gene is known to be associated with X-linked recessive disease. Female carriers may be mildly affected (PMID: 29456483). (I) 0112 - Variants in this gene are known to have reduced penetrance. (I) 0211 - Canonical splice site variant without proven consequence on splicing (no functional evidence available). (SP) 0251 - This variant is heterozygous. (I) 0301 - Variant is absent from gnomAD (both v2 and v3). (SP) 0505 - Abnormal splicing is predicted by in silico tools and affected nucleotide is highly conserved. (SP) 0704 - Another splice site variant comparable to the one identified in this case has limited previous evidence for pathogenicity. c.1142-1G>T has been classified as likely pathogenic in ClinVar, observed in two hemizygous brothers with MID1-related symptoms (Illumina personal communication). (SP) 0803 - This variant has limited previous evidence of pathogenicity in an individual. This variant has been observed in a heterozygous mother with hypertelorism and a hemizygous son with MID1-related symptoms (PMID: 9718340). (SP) 1007 - No published functional evidence has been identified for this variant. (I) Legend: (SP) - Supporting pathogenic, (I) - Information, (SB) - Supporting benign

Literature cited by the submitters: PubMed 9718340; PubMed 20671548; PubMed 29456483.